The following is an entry in ClinVar:

ClinVar aggregate classification (germline): Conflicting classifications of pathogenicity. Review status: criteria provided, conflicting classifications (1 of 4 stars). 2 submissions from 2 submitters: Uncertain significance (1); Likely benign (1). Last evaluated 2025-02-22.

Conditions:
Hereditary cancer-predisposing syndrome. Also called: Neoplastic Syndromes, Hereditary; Hereditary neoplastic syndrome; Tumor predisposition; Hereditary Cancer Syndrome. Identifiers: Orphanet 140162, MedGen C0027672, MeSH D009386, MONDO:0015356.
Birt-Hogg-Dube syndrome. Also called: Birt Hogg Dubé syndrome. Identifiers: Orphanet 122, MedGen C0346010, MONDO:0800444.

Allele frequency attached by ClinVar (database versions not stated): gnomAD exomes below 0.00001; ExAC 0.00001.
gnomAD v4.1: 3 of 1,614,132 alleles (0.00019%); highest among the groups gnomAD compares: South Asian, 0.0022%; no homozygotes.

Submissions (2):

Labcorp Genetics (formerly Invitae), Labcorp
Classification: Uncertain significance for Birt-Hogg-Dube syndrome. Last evaluated: 2025-02-22. Review status: criteria provided, single submitter. Criteria: Invitae Variant Classification Sherloc (09022015). Collection method: clinical testing. Allele origin: germline.
Comment: This sequence change replaces arginine, which is basic and polar, with glycine, which is neutral and non-polar, at codon 379 of the FLCN protein (p.Arg379Gly). This variant is not present in population databases (gnomAD no frequency). This variant has not been reported in the literature in individuals affected with FLCN-related conditions. ClinVar contains an entry for this variant (Variation ID: 529986). Invitae Evidence Modeling of protein sequence and biophysical properties (such as structural, functional, and spatial information, amino acid conservation, physicochemical variation, residue mobility, and thermodynamic stability) indicates that this missense variant is not expected to disrupt FLCN protein function with a negative predictive value of 80%. In summary, the available evidence is currently insufficient to determine the role of this variant in disease. Therefore, it has been classified as a Variant of Uncertain Significance.

Ambry Genetics
Classification: Likely benign for Hereditary cancer-predisposing syndrome. Last evaluated: 2022-04-22. Review status: criteria provided, single submitter. Criteria: Ambry Variant Classification Scheme 2023. Collection method: clinical testing. Allele origin: germline.

NM_144997.7(FLCN):c.1135A>G (p.Arg379Gly)

Gene: FLCN (folliculin; minus strand). Cytogenetic location: 17p11.2.
Variant type: single nucleotide variant.
Coding change: c.1135A>G on transcript NM_144997.7 (MANE Select); coding-DNA position 1135, A replaced by G.
Protein change: p.Arg379Gly; replaces arginine 379 with glycine.
Molecular consequence: missense variant.
Genome position (GRCh38, 1-based): chr17:17,217,110, T>C on the plus strand (A>G on the coding strand, the complement: FLCN is on the minus strand). VCF-style: chr17-17217110-T-C. GRCh37 (hg19) VCF-style: chr17-17120424-T-C.
Other names: c.1135A>G (LRG_325t1); c.1189A>G, p.Arg397Gly (NM_001353229.2); c.1135A>G, p.Arg379Gly (NM_001353230.2, NM_001353231.2); short protein forms R379G, R397G.
Identifiers: ClinVar variation 529986 (VCV000529986.10), dbSNP rs747644007, ClinGen allele CA8416135.
Genomic context (GRCh38, chr17:17,217,110, plus strand): 5'-AAGGAAAAGATGTTCTCACCCGAAGTACTTCAAAAGCTGACTGGACGAGGTCCACGTCTC[T>C]GCTTTTCCAGATCACCTGGTTCCCCATGAGAACGTGCCAGGCCAGCATGCGGAAAGAAGG-3'
Protein context (NP_659434.2, residues 369-389): LMGNQVIWKS[Arg379Gly]DVDLVQSAFE